The following is an entry in ClinVar:

NM_001109878.2(TBX22):c.-28G>A

Gene: TBX22 (T-box transcription factor 22). Cytogenetic location: Xq21.1.
Variant type: single nucleotide variant.
Coding change: c.-28G>A on transcript NM_001109878.2 (MANE Select); 28 bases upstream of the start codon, G replaced by A.
Molecular consequence: 5 prime UTR variant.
Genome position (GRCh38, 1-based): chrX:80,014,862, G>A. VCF-style: chrX-80014862-G-A. GRCh37 (hg19) VCF-style: chrX-79270361-G-A.
Other names: c.-384G>A (NM_001109879.2).
Identifiers: ClinVar variation 368661 (VCV000368661.29), dbSNP rs746947861, ClinGen allele CA10654382.

ClinVar aggregate classification (germline): Conflicting classifications of pathogenicity. Review status: criteria provided, conflicting classifications (1 of 4 stars). 2 submissions from 2 submitters: Uncertain significance (1); Likely benign (1). Last evaluated 2022-12-01.

Conditions:
Cleft palate with or without ankyloglossia, X-linked. Identifiers: Orphanet 324601, MedGen C1844830, MONDO:0010560, OMIM 303400.

Allele frequency attached by ClinVar (database versions not stated): TOPMed 0.00087; gnomAD 0.00092 and 0.00098.

Submissions (2):

CeGaT Center for Human Genetics Tuebingen
Classification: Likely benign. Last evaluated: 2022-12-01. Review status: criteria provided, single submitter. Criteria: CeGaT Center For Human Genetics Tuebingen Variant Classification Criteria Version 2. Collection method: clinical testing. Allele origin: germline. Affected: yes. Observed: 1 variant allele.
Comment: TBX22: BS2

Illumina Laboratory Services, Illumina
Classification: Uncertain significance for Cleft palate with or without ankyloglossia, X-linked. Last evaluated: 2018-01-13. Review status: criteria provided, single submitter. Criteria: ICSL Variant Classification Criteria 13 December 2019. Collection method: clinical testing. Allele origin: germline.